The following is an entry in ClinVar:

NM_014444.5(TUBGCP4):c.1254C>T (p.Ile418=)

Gene: TUBGCP4 (tubulin gamma complex component 4; plus strand). Cytogenetic location: 15q15.3.
Variant type: single nucleotide variant.
Coding change: c.1254C>T on transcript NM_014444.5 (MANE Select); coding-DNA position 1254, C replaced by T.
Protein change: p.Ile418=; no amino-acid change (isoleucine 418 retained).
Molecular consequence: synonymous variant.
Genome position (GRCh38, 1-based): chr15:43,397,296, C>T. VCF-style: chr15-43397296-C-T. GRCh37 (hg19) VCF-style: chr15-43689494-C-T.
Other names: c.1254C>T, p.Ile418= (NM_001286414.3).
Identifiers: ClinVar variation 782137 (VCV000782137.47), dbSNP rs186788196, ClinGen allele CA7524033.
Genomic context (GRCh38, chr15:43,397,296, plus strand): 5'-GTCAGCACACAAGGTATTGCTAGATGATGACAACCTTCTCCCTCTGTTGCACTTGACAAT[C>T]GAGTATCACGGAAAGGAGCACAAAGGTTTGCCATTCCTCCCTGCCACCTTAGAGTTCCTG-3'
Protein context (NP_055259.2, residues 408-428): DNLLPLLHLT[Ile418=]EYHGKEHKDA

ClinVar aggregate classification (germline): Benign/Likely benign. Review status: criteria provided, multiple submitters, no conflicts (2 of 4 stars). 5 submissions from 5 submitters: Benign (3); Likely benign (2). Last evaluated 2026-07-01.

Allele frequency attached by ClinVar (database versions not stated): 1000 Genomes Project 30x 0.00109; TOPMed 0.00285; ExAC 0.00290; gnomAD exomes 0.00337; ESP Exome Variant Server 0.00348; gnomAD 0.00379 and 0.00390; 1000 Genomes Project 0.00100.
gnomAD v4.1: 7,951 of 1,613,944 alleles (0.49%); highest among the groups gnomAD compares: Non-Finnish European, 0.57%; 30 homozygotes.

Submissions (5):

CeGaT Center for Human Genetics Tuebingen
Classification: Likely benign. Last evaluated: 2026-07-01. Review status: criteria provided, single submitter. Criteria: CeGaT Center For Human Genetics Tuebingen Variant Classification Criteria Version 2. Collection method: clinical testing. Allele origin: germline. Affected: yes. Observed: 16 variant alleles.
Comment: TUBGCP4: BS2

Labcorp Genetics (formerly Invitae), Labcorp
Classification: Benign. Last evaluated: 2026-01-22. Review status: criteria provided, single submitter. Criteria: Invitae Variant Classification Sherloc (09022015). Collection method: clinical testing. Allele origin: germline.

Blueprint Genetics
Classification: Likely benign. Last evaluated: 2024-11-19. Review status: criteria provided, single submitter. Criteria: ACMG Guidelines, 2015. Collection method: clinical testing. Allele origin: germline.

Genetic Services Laboratory, University of Chicago
Classification: Benign. Last evaluated: 2019-05-10. Review status: criteria provided, single submitter. Criteria: ACMG Guidelines, 2015. Collection method: clinical testing. Allele origin: germline. Affected: no.

Breakthrough Genomics
Classification: Benign. Review status: criteria provided, single submitter. Criteria: ACMG Guidelines, 2015. Collection method: not provided. Allele origin: germline. Inheritance: Autosomal recessive inheritance. Affected: yes.